The following is an entry in ClinVar:

ClinVar aggregate classification (germline): Uncertain significance (1 of 4 stars; one submission).

Allele frequency attached by ClinVar (database versions not stated): gnomAD exomes below 0.00001 and 0.00001; TOPMed below 0.00001; ExAC 0.00001; gnomAD 0.00001; ESP Exome Variant Server 0.00008.
gnomAD v4.1: 7 of 1,614,124 alleles (0.00043%); highest among the groups gnomAD compares: Non-Finnish European, 0.00034%; no homozygotes.

Submission:

Labcorp Genetics (formerly Invitae), Labcorp
Classification: Uncertain significance. Last evaluated: 2022-07-20. Review status: criteria provided, single submitter. Criteria: Invitae Variant Classification Sherloc (09022015). Collection method: clinical testing. Allele origin: germline.
Comment: This sequence change replaces alanine, which is neutral and non-polar, with serine, which is neutral and polar, at codon 2158 of the CEP250 protein (p.Ala2158Ser). This variant is present in population databases (rs373402717, gnomAD 0.004%). This variant has not been reported in the literature in individuals affected with CEP250-related conditions. ClinVar contains an entry for this variant (Variation ID: 1493918). Algorithms developed to predict the effect of missense changes on protein structure and function are either unavailable or do not agree on the potential impact of this missense change (SIFT: "Not Available"; PolyPhen-2: "Possibly Damaging"; Align-GVGD: "Not Available"). In summary, the available evidence is currently insufficient to determine the role of this variant in disease. Therefore, it has been classified as a Variant of Uncertain Significance.

NM_007186.6(CEP250):c.6472G>T (p.Ala2158Ser)

Gene: CEP250 (centrosomal protein 250; plus strand). Cytogenetic location: 20q11.22.
Variant type: single nucleotide variant.
Coding change: c.6472G>T on transcript NM_007186.6 (MANE Select); coding-DNA position 6472, G replaced by T.
Protein change: p.Ala2158Ser; replaces alanine 2158 with serine.
Molecular consequence: missense variant.
Genome position (GRCh38, 1-based): chr20:35,504,841, G>T. VCF-style: chr20-35504841-G-T. GRCh37 (hg19) VCF-style: chr20-34092669-G-T.
Other names: c.4576G>T, p.Ala1526Ser (NM_001318219.1); short protein forms A1526S, A2158S.
Identifiers: ClinVar variation 1493918 (VCV001493918.5), dbSNP rs373402717, ClinGen allele CA9834075.
Genomic context (GRCh38, chr20:35,504,841, plus strand): 5'-TCTCTAAAACTTGATTCTTTAGAGCCCAGGCTGCAGCGGGAGCTGGAGCGGCTACAGGCA[G>T]CCCTGAGACAGACAGAAGCCAGGGAGATTGAGTGGAGGGAGAAGGCCCAGGACTTGGCAC-3'
Protein context (NP_009117.2, residues 2148-2168): LQRELERLQA[Ala2158Ser]LRQTEAREIE